The following is an entry in ClinVar:

NM_133433.4(NIPBL):c.2841_2843del (p.Gly948del)

Gene: NIPBL (NIPBL cohesin loading factor; plus strand). Cytogenetic location: 5p13.2.
Variant type: Deletion.
Coding change: c.2841_2843del on transcript NM_133433.4 (MANE Select); coding-DNA positions 2841 to 2843, 3 bases deleted (GGG; older notation c.2841_2843delGGG).
Protein change: p.Gly948del; deletes glycine 948.
Molecular consequence: inframe deletion.
Genome position (GRCh38, 1-based): chr5:36,986,021-36,986,023, GGG deleted; deleting any 3 consecutive bases within chr5:36,986,018-36,986,023 gives the same sequence; the c. name uses the placement nearest the transcript's 3' end. VCF-style (leftmost placement, unchanged base first): chr5-36986017-TGGG-T. GRCh37 (hg19) VCF-style: chr5-36986119-TGGG-T.
Other names: c.2841_2843del, p.Gly948del (NM_015384.5); short protein forms G948del.
Identifiers: ClinVar variation 994655 (VCV000994655.3), dbSNP rs1369177636, ClinGen allele CA810291346.

ClinVar aggregate classification (germline): Uncertain significance. Review status: criteria provided, multiple submitters, no conflicts (2 of 4 stars). 2 submissions from 2 submitters: Uncertain significance (2). Last evaluated 2025-06-29.

Conditions:
Cornelia de Lange syndrome 1 (CDLS1). Also called: NIPBL-Related Cornelia de Lange Syndrome; Brachmann de Lange syndrome; TYPUS DEGENERATIVUS AMSTELODAMENSIS. Identifiers: Orphanet 199, MedGen C4551851, MONDO:0007387, OMIM 122470.

Submissions (2):

Labcorp Genetics (formerly Invitae), Labcorp
Classification: Uncertain significance for Cornelia de Lange syndrome 1. Last evaluated: 2025-06-29. Review status: criteria provided, single submitter. Criteria: Invitae Variant Classification Sherloc (09022015). Collection method: clinical testing. Allele origin: germline.
Comment: This variant, c.2841_2843del, results in the deletion of 1 amino acid(s) of the NIPBL protein (p.Gly948del), but otherwise preserves the integrity of the reading frame. This variant is not present in population databases (gnomAD no frequency). This variant has not been reported in the literature in individuals affected with NIPBL-related conditions. ClinVar contains an entry for this variant (Variation ID: 994655). Experimental studies and prediction algorithms are not available or were not evaluated, and the functional significance of this variant is currently unknown. In summary, the available evidence is currently insufficient to determine the role of this variant in disease. Therefore, it has been classified as a Variant of Uncertain Significance.

Athena Diagnostics
Classification: Uncertain significance. Last evaluated: 2020-08-13. Review status: criteria provided, single submitter. Criteria: Athena Diagnostics Criteria. Collection method: clinical testing. Allele origin: unknown.